The following is an entry in ClinVar:

ClinVar aggregate classification (germline): Benign/Likely benign. Review status: criteria provided, multiple submitters, no conflicts (2 of 4 stars). 5 submissions from 5 submitters: Benign (3); Likely benign (2). Last evaluated 2026-02-04.

Conditions:
Multiple acyl-CoA dehydrogenase deficiency (MADD). Also called: GA II; ETHYLMALONIC-ADIPICACIDURIA; Glutaric aciduria, type 2; Glutaric acidemia type II; GA 2; Glutaric Acidemia type 2. Identifiers: Orphanet 26791, MedGen C0268596, MONDO:0009282, OMIM 231680.

Allele frequency attached by ClinVar (database versions not stated): gnomAD exomes 0.00080; ExAC 0.00121; 1000 Genomes Project 0.00220; 1000 Genomes Project 30x 0.00281; ESP Exome Variant Server 0.00285; gnomAD 0.00287 and 0.00311; TOPMed 0.00366.
gnomAD v4.1: 785 of 1,547,730 alleles (0.051%); highest among the groups gnomAD compares: African/African-American, 0.93%; 3 homozygotes.

Submissions (5):

Labcorp Genetics (formerly Invitae), Labcorp
Classification: Benign for Multiple acyl-CoA dehydrogenase deficiency. Last evaluated: 2026-02-04. Review status: criteria provided, single submitter. Criteria: Invitae Variant Classification Sherloc (09022015). Collection method: clinical testing. Allele origin: germline.

Mayo Clinic Laboratories, Mayo Clinic
Classification: Likely benign. Last evaluated: 2025-01-28. Review status: criteria provided, single submitter. Criteria: ACMG Guidelines, 2015. Collection method: clinical testing. Allele origin: germline. Observed: 1 variant allele.
Comment: BA1, BP7

Blueprint Genetics
Classification: Likely benign. Last evaluated: 2024-11-25. Review status: criteria provided, single submitter. Criteria: ACMG Guidelines, 2015. Collection method: clinical testing. Allele origin: germline.

Illumina Laboratory Services, Illumina
Classification: Benign for Multiple acyl-CoA dehydrogenase deficiency. Last evaluated: 2018-01-12. Review status: criteria provided, single submitter. Criteria: ICSL Variant Classification Criteria 13 December 2019. Collection method: clinical testing. Allele origin: germline.
Comment: This variant was observed in the ICSL laboratory as part of a predisposition screen in an ostensibly healthy population. It had not been previously curated by ICSL or reported in the Human Gene Mutation Database (HGMD: prior to June 1st, 2018), and was therefore a candidate for classification through an automated scoring system. Utilizing variant allele frequency, disease prevalence and penetrance estimates, and inheritance mode, an automated score was calculated to assess if this variant is too frequent to cause the disease. Based on the score and internal cut-off values, a variant classified as benign is not then subjected to further curation. The score for this variant resulted in a classification of benign for this disease.

GeneDx
Classification: Benign. Last evaluated: 2015-04-27. Review status: criteria provided, single submitter. Criteria: GeneDx Variant Classification (06012015). Collection method: clinical testing. Allele origin: germline. Affected: yes.
Comment: This variant is considered likely benign or benign based on one or more of the following criteria: it is a conservative change, it occurs at a poorly conserved position in the protein, it is predicted to be benign by multiple in silico algorithms, and/or has population frequency not consistent with disease.

NM_000126.4(ETFA):c.562+11A>T

Gene: ETFA (electron transfer flavoprotein subunit alpha; minus strand). Cytogenetic location: 15q24.2.
Variant type: single nucleotide variant.
Coding change: c.562+11A>T on transcript NM_000126.4 (MANE Select); 11 bases into the intron after coding-DNA position 562, A replaced by T.
Molecular consequence: intron variant.
Genome position (GRCh38, 1-based): chr15:76,286,360, T>A on the plus strand (A>T on the coding strand, the complement: ETFA is on the minus strand). VCF-style: chr15-76286360-T-A. GRCh37 (hg19) VCF-style: chr15-76578701-T-A.
Other names: p.?; c.415+11A>T (NM_001127716.2).
Identifiers: ClinVar variation 317156 (VCV000317156.15), dbSNP rs143834701, ClinGen allele CA7673736.
Genomic context (GRCh38, chr15:76,286,360, plus strand): 5'-TCTTATTATAATACAGTCTATGAATTAAAAAAGTAAGAAACAAAACAAAAAAACTCCAAA[T>A]GAACACTCACCCTTTTCTGAACTGGCACTACCGCCACTTGTTGCTGCAGCATCAAAGGAT-3'